The following is an entry in ClinVar:

ClinVar aggregate classification (germline): Likely benign. Review status: criteria provided, multiple submitters, no conflicts (2 of 4 stars). 6 submissions from 6 submitters: Likely benign (6). Last evaluated 2026-04-01.

Conditions:
Cardiovascular phenotype. Identifiers: MedGen CN230736.
Long QT syndrome (LQTS). Identifiers: MedGen C0023976, MeSH D008133, MONDO:0002442. Disease mechanism: loss of function. Inheritance: Various modes of inheritance.
Cardiac arrhythmia. Also called: Cardiac rhythm disease; Arrhythmia. Identifiers: MedGen C0003811, MONDO:0007263, HP:0011675.

Allele frequency attached by ClinVar (database versions not stated): gnomAD exomes 0.00001; TOPMed 0.00001; ESP Exome Variant Server 0.00015.
gnomAD v4.1: 8 of 1,614,158 alleles (0.0005%); highest among the groups gnomAD compares: Middle Eastern, 0.016%; no homozygotes.

Submissions (6):

CeGaT Center for Human Genetics Tuebingen
Classification: Likely benign. Last evaluated: 2026-04-01. Review status: criteria provided, single submitter. Criteria: CeGaT Center For Human Genetics Tuebingen Variant Classification Criteria Version 2. Collection method: clinical testing. Allele origin: germline. Affected: yes. Observed: 2 variant alleles.
Comment: KCNH2: BP4, BP7

Labcorp Genetics (formerly Invitae), Labcorp
Classification: Likely benign for Long QT syndrome. Last evaluated: 2025-11-27. Review status: criteria provided, single submitter. Criteria: Invitae Variant Classification Sherloc (09022015). Collection method: clinical testing. Allele origin: germline.

All of Us Research Program, National Institutes of Health
Classification: Likely benign for Long QT syndrome. Last evaluated: 2023-08-08. Review status: criteria provided, single submitter. Criteria: ACMG Guidelines, 2015. Collection method: clinical testing. Allele origin: germline. Inheritance: Autosomal dominant inheritance. Observed: 1 variant allele, 1 heterozygote.
Comment: This study involves interpretation of variants in research participants for the purpose of population health screening. Participant phenotype was not available at the time of variant classification. Additional details can be found in publication PMID: 35346344, PMCID: PMC8962531

Blueprint Genetics
Classification: Likely benign. Last evaluated: 2023-06-13. Review status: criteria provided, single submitter. Criteria: ACMG Guidelines, 2015. Collection method: clinical testing. Allele origin: germline.

Ambry Genetics
Classification: Likely benign for Cardiovascular phenotype. Last evaluated: 2019-06-18. Review status: criteria provided, single submitter. Criteria: Ambry Variant Classification Scheme 2023. Collection method: clinical testing. Allele origin: germline.

Color Diagnostics, LLC DBA Color Health
Classification: Likely benign for Arrhythmia. Last evaluated: 2019-05-02. Review status: criteria provided, single submitter. Criteria: ACMG Guidelines, 2015. Collection method: clinical testing. Allele origin: germline.

NM_000238.4(KCNH2):c.2508C>T (p.Asp836=)

Gene: KCNH2 (potassium voltage-gated channel subfamily H member 2; minus strand). Cytogenetic location: 7q36.1.
Variant type: single nucleotide variant.
Coding change: c.2508C>T on transcript NM_000238.4 (MANE Select); coding-DNA position 2508, C replaced by T.
Protein change: p.Asp836=; no amino-acid change (aspartic acid 836 retained).
Molecular consequence: synonymous variant.
Genome position (GRCh38, 1-based): chr7:150,948,940, G>A on the plus strand (C>T on the coding strand, the complement: KCNH2 is on the minus strand). VCF-style: chr7-150948940-G-A. GRCh37 (hg19) VCF-style: chr7-150646028-G-A.
Other names: c.1488C>T, p.Asp496= (NM_172057.3).
Identifiers: ClinVar variation 527087 (VCV000527087.33), dbSNP rs139295242, ClinGen allele CA169074781.